The following is an entry in ClinVar:

ClinVar aggregate classification (germline): Conflicting classifications of pathogenicity. Review status: criteria provided, conflicting classifications (1 of 4 stars). 3 submissions from 3 submitters: Uncertain significance (1); Benign (1); Likely benign (1). Last evaluated 2024-01-01.

Conditions:
Inborn genetic diseases. Identifiers: MedGen C0950123, MeSH D030342.

Allele frequency attached by ClinVar (database versions not stated): gnomAD 0.00013 and 0.00014; gnomAD exomes 0.00015 and 0.00042; TOPMed 0.00017; ExAC 0.00032.
gnomAD v4.1: 192 of 1,209,512 alleles (0.016%); highest among the groups gnomAD compares: Admixed American, 0.033%; no homozygotes.

Submissions (3):

CeGaT Center for Human Genetics Tuebingen
Classification: Likely benign. Last evaluated: 2024-01-01. Review status: criteria provided, single submitter. Criteria: CeGaT Center For Human Genetics Tuebingen Variant Classification Criteria Version 2. Collection method: clinical testing. Allele origin: germline. Affected: yes. Observed: 1 variant allele.
Comment: CNKSR2: BP4, BS2

Ambry Genetics
Classification: Uncertain significance for Inborn genetic diseases. Last evaluated: 2022-06-29. Review status: criteria provided, single submitter. Criteria: Ambry Variant Classification Scheme 2023. Collection method: clinical testing. Allele origin: germline.

Labcorp Genetics (formerly Invitae), Labcorp
Classification: Benign. Last evaluated: 2019-12-31. Review status: criteria provided, single submitter. Criteria: Invitae Variant Classification Sherloc (09022015). Collection method: clinical testing. Allele origin: germline.

NM_014927.5(CNKSR2):c.2398A>G (p.Ile800Val)

Gene: CNKSR2 (connector enhancer of kinase suppressor of Ras 2; plus strand). Cytogenetic location: Xp22.12.
Variant type: single nucleotide variant.
Coding change: c.2398A>G on transcript NM_014927.5 (MANE Select); coding-DNA position 2398, A replaced by G.
Protein change: p.Ile800Val; replaces isoleucine 800 with valine.
Molecular consequence: missense variant.
Genome position (GRCh38, 1-based): chrX:21,609,323, A>G. VCF-style: chrX-21609323-A-G. GRCh37 (hg19) VCF-style: chrX-21627441-A-G.
Other names: c.2398A>G (NM_014927.3); c.2308A>G, p.Ile770Val (NM_001168647.3, NM_001330773.2); c.2398A>G, p.Ile800Val (NM_001168648.3); c.2251A>G, p.Ile751Val (NM_001168649.3, NM_001330770.2); c.2161A>G, p.Ile721Val (NM_001330771.2, NM_001330772.2); short protein forms I751V, I770V, I800V, I721V.
Identifiers: ClinVar variation 789144 (VCV000789144.27), dbSNP rs200533315, ClinGen allele CA10366766.